The following is an entry in ClinVar:

NM_017849.4(TMEM127):c.377C>T (p.Thr126Ile)

Gene: TMEM127 (transmembrane protein 127; minus strand). Cytogenetic location: 2q11.2.
Variant type: single nucleotide variant.
Coding change: c.377C>T on transcript NM_017849.4 (MANE Select); coding-DNA position 377, C replaced by T.
Protein change: p.Thr126Ile; replaces threonine 126 with isoleucine.
Molecular consequence: missense variant.
Genome position (GRCh38, 1-based): chr2:96,254,865, G>A on the plus strand (C>T on the coding strand, the complement: TMEM127 is on the minus strand). VCF-style: chr2-96254865-G-A. GRCh37 (hg19) VCF-style: chr2-96920603-G-A.
Other names: c.377C>T, p.Thr126Ile (NM_001193304.3); short protein forms T126I.
Identifiers: ClinVar variation 463844 (VCV000463844.5), dbSNP rs775944671, ClinGen allele CA1777344.

ClinVar aggregate classification (germline): Uncertain significance. Review status: criteria provided, multiple submitters, no conflicts (2 of 4 stars). 2 submissions from 2 submitters: Uncertain significance (2). Last evaluated 2026-07-13.

Conditions:
Hereditary cancer-predisposing syndrome. Also called: Neoplastic Syndromes, Hereditary; Hereditary neoplastic syndrome; Hereditary Cancer Syndrome; Tumor predisposition. Identifiers: Orphanet 140162, MedGen C0027672, MeSH D009386, MONDO:0015356.
Hereditary pheochromocytoma and paraganglioma. Also called: Hereditary pheochromocytoma-paraganglioma; Hereditary paragangliomas and pheochromocytomas; Hereditary Paraganglioma-Pheochromocytoma Syndromes. Identifiers: Orphanet 29072, MedGen C4274332, MONDO:0017366.

Allele frequency attached by ClinVar (database versions not stated): gnomAD exomes below 0.00001; TOPMed below 0.00001; ExAC 0.00001; gnomAD 0.00001.
gnomAD v4.1: 5 of 1,614,014 alleles (0.00031%); highest among the groups gnomAD compares: Admixed American, 0.0017%; no homozygotes.

Submissions (2):

Ambry Genetics
Classification: Uncertain significance for Hereditary cancer-predisposing syndrome. Last evaluated: 2026-07-13. Review status: criteria provided, single submitter. Criteria: Ambry Variant Classification Scheme 2023. Collection method: clinical testing. Allele origin: germline.
Comment: The p.T126I variant (also known as c.377C>T), located in coding exon 2 of the TMEM127 gene, results from a C to T substitution at nucleotide position 377. The threonine at codon 126 is replaced by isoleucine, an amino acid with similar properties. This amino acid position is highly conserved in available vertebrate species. In addition, this alteration is predicted to be deleterious by in silico analysis. Based on the available evidence, the clinical significance of this variant remains unclear.

Labcorp Genetics (formerly Invitae), Labcorp
Classification: Uncertain significance for Hereditary pheochromocytoma and paraganglioma. Last evaluated: 2021-11-19. Review status: criteria provided, single submitter. Criteria: Invitae Variant Classification Sherloc (09022015). Collection method: clinical testing. Allele origin: germline.
Comment: This sequence change replaces threonine, which is neutral and polar, with isoleucine, which is neutral and non-polar, at codon 126 of the TMEM127 protein (p.Thr126Ile). This variant is present in population databases (rs775944671, gnomAD 0.003%). This missense change has been observed in individual(s) with renal cell carcinoma (PMID: 33051659). ClinVar contains an entry for this variant (Variation ID: 463844). Algorithms developed to predict the effect of missense changes on protein structure and function are either unavailable or do not agree on the potential impact of this missense change (SIFT: "Deleterious"; PolyPhen-2: "Benign"; Align-GVGD: "Class C65"). Experimental studies have shown that this missense change does not substantially affect TMEM127 function (PMID: 24334765). In summary, the available evidence is currently insufficient to determine the role of this variant in disease. Therefore, it has been classified as a Variant of Uncertain Significance.

Literature cited by the submitters: PubMed 33051659 (cited by Labcorp Genetics (formerly Invitae), Labcorp); PubMed 24334765 (cited by Labcorp Genetics (formerly Invitae), Labcorp).